The following is an entry in ClinVar:

ClinVar aggregate classification (germline): Uncertain significance (1 of 4 stars; one submission).

gnomAD v4.1: 1 of 1,613,970 alleles (0.000062%); highest among the groups gnomAD compares: South Asian, 0.0011%; no homozygotes.

Submission:

Labcorp Genetics (formerly Invitae), Labcorp
Classification: Uncertain significance. Last evaluated: 2023-01-20. Review status: criteria provided, single submitter. Criteria: Invitae Variant Classification Sherloc (09022015). Collection method: clinical testing. Allele origin: germline.
Comment: This sequence change replaces alanine, which is neutral and non-polar, with proline, which is neutral and non-polar, at codon 151 of the MYH3 protein (p.Ala151Pro). This variant is not present in population databases (gnomAD no frequency). This variant has not been reported in the literature in individuals affected with MYH3-related conditions. Algorithms developed to predict the effect of missense changes on protein structure and function (SIFT, PolyPhen-2, Align-GVGD) all suggest that this variant is likely to be disruptive. In summary, the available evidence is currently insufficient to determine the role of this variant in disease. Therefore, it has been classified as a Variant of Uncertain Significance.

NM_002470.4(MYH3):c.451G>C (p.Ala151Pro)

Gene: MYH3 (myosin heavy chain 3; minus strand). Cytogenetic location: 17p13.1.
Variant type: single nucleotide variant.
Coding change: c.451G>C on transcript NM_002470.4 (MANE Select); coding-DNA position 451, G replaced by C.
Protein change: p.Ala151Pro; replaces alanine 151 with proline.
Molecular consequence: missense variant.
Genome position (GRCh38, 1-based): chr17:10,651,566, C>G on the plus strand (G>C on the coding strand, the complement: MYH3 is on the minus strand). VCF-style: chr17-10651566-C-G. GRCh37 (hg19) VCF-style: chr17-10554883-C-G.
Other names: short protein forms A151P.
Identifiers: ClinVar variation 2816020 (VCV002816020.3), dbSNP rs1192876445, ClinGen allele CA398114772.